The following is an entry in ClinVar:

ClinVar aggregate classification (germline): Pathogenic (1 of 4 stars; one submission).

Submission:

GeneDx
Classification: Pathogenic. Last evaluated: 2018-07-09. Review status: criteria provided, single submitter. Criteria: GeneDx Variant Classification (06012015). Collection method: clinical testing. Allele origin: germline. Affected: yes.
Comment: The c.305delT pathogenic variant in the ABCA12 gene has not been reported previously as a pathogenic variant, nor as a benign variant, to our knowledge. The c.305delT variant causes a frameshift starting with codon Leucine 102, changes this amino acid to a Histidine residue, and creates a premature Stop codon at position 8 of the new reading frame, denoted p.Leu102HisfsX8. This variant is predicted to cause loss of normal protein function either through protein truncation or nonsense-mediated mRNA decay. The c.305delT variant is not observed in large population cohorts (Lek et al., 2016). We interpret c.305delT as a pathogenic variant.

NM_173076.3(ABCA12):c.305del (p.Leu102fs)

Gene: ABCA12 (ATP binding cassette subfamily A member 12; minus strand). Cytogenetic location: 2q35.
Variant type: Deletion.
Coding change: c.305del on transcript NM_173076.3 (MANE Select); coding-DNA position 305, one base deleted (T; older notation c.305delT).
Protein change: p.Leu102fs; shifts the reading frame from leucine 102.
Molecular consequence: frameshift variant. On other transcripts: non-coding transcript variant (1).
Genome position (GRCh38, 1-based): chr2:215,064,078, A deleted on the plus strand (T on the coding strand, the reverse complement: ABCA12 is on the minus strand). VCF-style (leftmost placement, unchanged base first): chr2-215064077-TA-T. GRCh37 (hg19) VCF-style: chr2-215928800-TA-T.
Other names: short protein forms L102fs.
Identifiers: ClinVar variation 817150 (VCV000817150.1), dbSNP rs1575019786, ClinGen allele CA915941697.